The following is an entry in ClinVar:

ClinVar aggregate classification (germline): Uncertain significance. Review status: criteria provided, multiple submitters, no conflicts (2 of 4 stars). 2 submissions from 2 submitters: Uncertain significance (2). Last evaluated 2025-02-01.

Allele frequency attached by ClinVar (database versions not stated): ExAC 0.00002; TOPMed 0.00008; gnomAD 0.00009; gnomAD exomes 0.00013; ESP Exome Variant Server 0.00017.
gnomAD v4.1: 195 of 1,614,066 alleles (0.012%); highest among the groups gnomAD compares: Non-Finnish European, 0.016%; 1 homozygote.

Submissions (2):

Labcorp Genetics (formerly Invitae), Labcorp
Classification: Uncertain significance. Last evaluated: 2025-02-01. Review status: criteria provided, single submitter. Criteria: Invitae Variant Classification Sherloc (09022015). Collection method: clinical testing. Allele origin: germline.
Comment: This sequence change replaces valine, which is neutral and non-polar, with isoleucine, which is neutral and non-polar, at codon 1328 of the NPAT protein (p.Val1328Ile). This variant is present in population databases (rs199955412, gnomAD 0.01%). This variant has not been reported in the literature in individuals affected with NPAT-related conditions. ClinVar contains an entry for this variant (Variation ID: 1983510). An algorithm developed to predict the effect of missense changes on protein structure and function (PolyPhen-2) suggests that this variant is likely to be disruptive. In summary, the available evidence is currently insufficient to determine the role of this variant in disease. Therefore, it has been classified as a Variant of Uncertain Significance.

Ambry Genetics
Classification: Uncertain significance. Last evaluated: 2024-06-26. Review status: criteria provided, single submitter. Criteria: Ambry Variant Classification Scheme 2023. Collection method: clinical testing. Allele origin: germline.

NM_002519.3(NPAT):c.3982G>A (p.Val1328Ile)

Gene: NPAT (nuclear protein, coactivator of histone transcription; minus strand). Cytogenetic location: 11q22.3.
Variant type: single nucleotide variant.
Coding change: c.3982G>A on transcript NM_002519.3 (MANE Select); coding-DNA position 3982, G replaced by A.
Protein change: p.Val1328Ile; replaces valine 1328 with isoleucine.
Molecular consequence: missense variant.
Genome position (GRCh38, 1-based): chr11:108,161,104, C>T on the plus strand (G>A on the coding strand, the complement: NPAT is on the minus strand). VCF-style: chr11-108161104-C-T. GRCh37 (hg19) VCF-style: chr11-108031831-C-T.
Other names: c.4003G>A, p.Val1335Ile (NM_001321307.1); c.3982G>A (NM_002519.2); short protein forms V1328I, V1335I.
Identifiers: ClinVar variation 1983510 (VCV001983510.7), dbSNP rs199955412, ClinGen allele CA6263494.